The following is an entry in ClinVar:

NM_018139.3(DNAAF2):c.751A>C (p.Thr251Pro)

Gene: DNAAF2 (dynein axonemal assembly factor 2; minus strand). Cytogenetic location: 14q21.3.
Variant type: single nucleotide variant.
Coding change: c.751A>C on transcript NM_018139.3 (MANE Select); coding-DNA position 751, A replaced by C.
Protein change: p.Thr251Pro; replaces threonine 251 with proline.
Molecular consequence: missense variant.
Genome position (GRCh38, 1-based): chr14:49,634,399, T>G on the plus strand (A>C on the coding strand, the complement: DNAAF2 is on the minus strand). VCF-style: chr14-49634399-T-G. GRCh37 (hg19) VCF-style: chr14-50101117-T-G.
Other names: c.751A>C, p.Thr251Pro (NM_001083908.2); short protein forms T251P.
Identifiers: ClinVar variation 1759312 (VCV001759312.2), dbSNP rs1594609008, ClinGen allele CA389630611.
Genomic context (GRCh38, chr14:49,634,399, plus strand): 5'-AGCAGCGGTAATCCTGGAGGTCCACGTGGTGGCGCTGCACCACGCTGTAGCGAGGCTCGG[T>G]GGGGGCGGGCTGCAAGGCCGCTTCCGGAGGGGAGGGCGCCCGGGGCCCGGGGGCTGCCGG-3'
Protein context (NP_060609.2, residues 241-261): PPEAALQPAP[Thr251Pro]EPRYSVVQRH

ClinVar aggregate classification (germline): Uncertain significance (1 of 4 stars; one submission).

Conditions:
Primary ciliary dyskinesia. Also called: Ciliary dyskinesia. Identifiers: Orphanet 244, MedGen C0008780, MONDO:0016575, HP:0012265.

Submission:

Ambry Genetics
Classification: Uncertain significance for Primary ciliary dyskinesia. Last evaluated: 2021-11-15. Review status: criteria provided, single submitter. Criteria: Ambry Variant Classification Scheme 2023. Collection method: clinical testing. Allele origin: germline.
Comment: The p.T251P variant (also known as c.751A>C), located in coding exon 1 of the DNAAF2 gene, results from an A to C substitution at nucleotide position 751. The threonine at codon 251 is replaced by proline, an amino acid with highly similar properties. This amino acid position is conserved. In addition, this alteration is predicted to be tolerated by in silico analysis. Since supporting evidence is limited at this time, the clinical significance of this alteration remains unclear.